The following is an entry in ClinVar:

NM_000204.5(CFI):c.806G>T (p.Gly269Val)

Gene: CFI (complement factor I; minus strand). Cytogenetic location: 4q25.
Variant type: single nucleotide variant.
Coding change: c.806G>T on transcript NM_000204.5 (MANE Select); coding-DNA position 806, G replaced by T.
Protein change: p.Gly269Val; replaces glycine 269 with valine.
Molecular consequence: missense variant. On other transcripts: non-coding transcript variant (3).
Genome position (GRCh38, 1-based): chr4:109,760,347, C>A on the plus strand (G>T on the coding strand, the complement: CFI is on the minus strand). VCF-style: chr4-109760347-C-A. GRCh37 (hg19) VCF-style: chr4-110681503-C-A.
Other names: c.806G>T, p.Gly269Val (NM_001318057.2, NM_001331035.2, NM_001375278.1 and 10 more transcripts); c.197G>T, p.Gly66Val (NM_001375284.1); short protein forms G269V, G66V.
Identifiers: ClinVar variation 4280483 (VCV004280483.2).
Genomic context (GRCh38, chr4:109,760,347, plus strand): 5'-TCTTCCCCTGTAATGCAGTCCACCTCACCATTGCATTGATACTGGCTTGGAATGCAAACA[C>A]CCGATTTGCAATGGAAGCCTTTGCCTTGGCATGCTGTGCAAACATAAGCAGGAGAGGTTT-3'
Protein context (NP_000195.3, residues 259-279): CQGKGFHCKS[Gly269Val]VCIPSQYQCN

ClinVar aggregate classification (germline): Uncertain significance. Review status: criteria provided, multiple submitters, no conflicts (2 of 4 stars). 2 submissions from 2 submitters: Uncertain significance (2). Last evaluated 2025-09-26.

Conditions:
CFI-related disorder. Also called: CFI-related disorders; CFI-related condition. Identifiers: MedGen CN239325.

Submissions (2):

Genomenon, Inc
Classification: Uncertain significance for CFI-related disorder. Last evaluated: 2025-09-26. Review status: criteria provided, single submitter. Criteria: Genomenon Sequence Variant Interpretation Standards - Updated. Collection method: curation. Allele origin: germline. Affected: no.
Comment: CFI p.Gly269Val (c.806G>T) is a missense variant that changes the amino acid at residue 269 from Glycine to Valine. This variant has been reported in the published literature (PMID:39238643). It is absent or not present at a significant frequency in gnomAD. In silico models agree that this variant is possibly or probably damaging. In conclusion, we classify CFI p.Gly269Val (c.806G>T) as a variant of unknown significance.

Labcorp Genetics (formerly Invitae), Labcorp
Classification: Uncertain significance. Last evaluated: 2025-02-23. Review status: criteria provided, single submitter. Criteria: Invitae Variant Classification Sherloc (09022015). Collection method: clinical testing. Allele origin: germline.
Comment: This sequence change replaces glycine, which is neutral and non-polar, with valine, which is neutral and non-polar, at codon 269 of the CFI protein (p.Gly269Val). This variant is not present in population databases (gnomAD no frequency). This variant has not been reported in the literature in individuals affected with CFI-related conditions. Invitae Evidence Modeling of protein sequence and biophysical properties (such as structural, functional, and spatial information, amino acid conservation, physicochemical variation, residue mobility, and thermodynamic stability) indicates that this missense variant is expected to disrupt CFI protein function with a positive predictive value of 80%. In summary, the available evidence is currently insufficient to determine the role of this variant in disease. Therefore, it has been classified as a Variant of Uncertain Significance.

Literature cited by the submitters: PubMed 39238643 (cited by Genomenon, Inc).